The following is an entry in ClinVar:

NM_000426.4(LAMA2):c.3850G>C (p.Ala1284Pro)

Gene: LAMA2 (laminin subunit alpha 2; plus strand). Cytogenetic location: 6q22.33.
Variant type: single nucleotide variant.
Coding change: c.3850G>C on transcript NM_000426.4 (MANE Select); coding-DNA position 3850, G replaced by C.
Protein change: p.Ala1284Pro; replaces alanine 1284 with proline.
Molecular consequence: missense variant.
Genome position (GRCh38, 1-based): chr6:129,315,876, G>C. VCF-style: chr6-129315876-G-C. GRCh37 (hg19) VCF-style: chr6-129637021-G-C.
Other names: c.3850G>C, p.Ala1284Pro (NM_001079823.2); short protein forms A1284P.
Identifiers: ClinVar variation 426894 (VCV000426894.2), dbSNP rs1085307846, ClinGen allele CA365613408.

ClinVar aggregate classification (germline): Uncertain significance (1 of 4 stars; one submission).

Submission:

GeneDx
Classification: Uncertain significance. Last evaluated: 2017-03-28. Review status: criteria provided, single submitter. Criteria: GeneDx Variant Classification (06012015). Collection method: clinical testing. Allele origin: germline. Affected: yes.
Comment: The A1284P variant has not been published as a pathogenic variant, nor has it been reported as a benign variant to our knowledge. The A1284P variant is not observed in large population cohorts (Lek et al., 2016; 1000 Genomes Consortium et al., 2015; Exome Variant Server). This variant is a semi-conservative amino acid substitution, which may impact secondary protein structure as these residues differ in some properties. However, this substitution occurs at a position that is not conserved, and in silico analysis is inconsistent in its predictions as to whether or not the variant is damaging to the protein structure/function.